The following is an entry in ClinVar:

NM_000282.4(PCCA):c.297T>G (p.Ser99Arg)

Gene: PCCA (propionyl-CoA carboxylase subunit alpha; plus strand). Cytogenetic location: 13q32.3.
Variant type: single nucleotide variant.
Coding change: c.297T>G on transcript NM_000282.4 (MANE Select); coding-DNA position 297, T replaced by G.
Protein change: p.Ser99Arg; replaces serine 99 with arginine.
Molecular consequence: missense variant. On other transcripts: 5 prime UTR variant (3), non-coding transcript variant (5).
Genome position (GRCh38, 1-based): chr13:100,112,058, T>G. VCF-style: chr13-100112058-T-G. GRCh37 (hg19) VCF-style: chr13-100764312-T-G.
Other names: c.219T>G, p.Ser73Arg (NM_001127692.3, NM_001352607.2, NM_001352608.2); c.297T>G, p.Ser99Arg (NM_001178004.2, NM_001352605.2, NM_001352606.2 and 1 more transcripts); c.-570T>G (NM_001352610.2, NM_001352611.2, NM_001352612.2); short protein forms S73R, S99R.
Identifiers: ClinVar variation 1524452 (VCV001524452.5), dbSNP rs1203679401, ClinGen allele CA388693230.

ClinVar aggregate classification (germline): Uncertain significance (1 of 4 stars; one submission).

Conditions:
Propionic acidemia (PROP). Also called: GLYCINEMIA, KETOTIC; HYPERGLYCINEMIA WITH KETOACIDOSIS AND LEUKOPENIA; KETOTIC HYPERGLYCINEMIA. Identifiers: Orphanet 35, MedGen C0268579, MONDO:0011628, OMIM 606054, HP:0003571.

Allele frequency attached by ClinVar (database versions not stated): gnomAD exomes below 0.00001 and 0.00001; gnomAD 0.00001; TOPMed 0.00001.
gnomAD v4.1: 5 of 1,608,296 alleles (0.00031%); highest among the groups gnomAD compares: Non-Finnish European, 0.00043%; no homozygotes.

Submission:

Labcorp Genetics (formerly Invitae), Labcorp
Classification: Uncertain significance for Propionic acidemia. Last evaluated: 2022-06-27. Review status: criteria provided, single submitter. Criteria: Invitae Variant Classification Sherloc (09022015). Collection method: clinical testing. Allele origin: germline.
Comment: This sequence change replaces serine, which is neutral and polar, with arginine, which is basic and polar, at codon 99 of the PCCA protein (p.Ser99Arg). This variant is present in population databases (no rsID available, gnomAD 0.002%). This variant has not been reported in the literature in individuals affected with PCCA-related conditions. Advanced modeling of protein sequence and biophysical properties (such as structural, functional, and spatial information, amino acid conservation, physicochemical variation, residue mobility, and thermodynamic stability) performed at Invitae indicates that this missense variant is not expected to disrupt PCCA protein function. Algorithms developed to predict the effect of sequence changes on RNA splicing suggest that this variant may create or strengthen a splice site. In summary, the available evidence is currently insufficient to determine the role of this variant in disease. Therefore, it has been classified as a Variant of Uncertain Significance.